The following is an entry in ClinVar:

ClinVar aggregate classification (germline): Uncertain significance. Review status: criteria provided, multiple submitters, no conflicts (2 of 4 stars). 4 submissions from 4 submitters: Uncertain significance (4). Last evaluated 2025-06-24.

Conditions:
Inborn genetic diseases. Identifiers: MedGen C0950123, MeSH D030342.

Allele frequency attached by ClinVar (database versions not stated): TOPMed 0.00002.
gnomAD v4.1: 2 of 1,613,850 alleles (0.00012%); highest among the groups gnomAD compares: Admixed American, 0.0017%; no homozygotes.

Submissions (4):

GeneDx
Classification: Uncertain significance. Last evaluated: 2025-06-24. Review status: criteria provided, single submitter. Criteria: GeneDx Variant Classification Process June 2021. Collection method: clinical testing. Allele origin: germline. Affected: yes.
Comment: Not observed at significant frequency in large population cohorts (gnomAD); In silico analysis suggests that this missense variant does not alter protein structure/function; Has not been previously published as pathogenic or benign to our knowledge

Blueprint Genetics
Classification: Uncertain significance. Last evaluated: 2021-12-20. Review status: criteria provided, single submitter. Criteria: ACMG Guidelines, 2015. Collection method: clinical testing. Allele origin: germline.

Ambry Genetics
Classification: Uncertain significance for Inborn genetic diseases. Last evaluated: 2021-07-14. Review status: criteria provided, single submitter. Criteria: Ambry Variant Classification Scheme 2023. Collection method: clinical testing. Allele origin: germline.

Eurofins Ntd Llc (ga)
Classification: Uncertain significance. Last evaluated: 2018-01-15. Review status: criteria provided, single submitter. Criteria: EGL Classification Definitions 2015. Collection method: clinical testing. Allele origin: germline. Observed: 1 variant allele, 1 heterozygote.

NM_022124.6(CDH23):c.3916G>C (p.Glu1306Gln)

Genes: C10orf105 (chromosome 10 open reading frame 105; minus strand), CDH23 (cadherin related 23; plus strand). Cytogenetic location: 10q22.1.
Variant type: single nucleotide variant.
Coding change: c.3916G>C on transcript NM_022124.6 (MANE Select); coding-DNA position 3916, G replaced by C.
Protein change: p.Glu1306Gln; replaces glutamic acid 1306 with glutamine.
Molecular consequence: missense variant. On other transcripts: intron variant (1).
Genome position (GRCh38, 1-based): chr10:71,732,187, G>C. VCF-style: chr10-71732187-G-C. GRCh37 (hg19) VCF-style: chr10-73491944-G-C.
Other names: c.3916G>C, p.Glu1306Gln (NM_001171930.2); c.-6+5541C>G (NM_001168390.2); short protein forms E1306Q.
Identifiers: ClinVar variation 595710 (VCV000595710.13), dbSNP rs1007435841, ClinGen allele CA209480545.